The following is an entry in ClinVar:

ClinVar aggregate classification (germline): Benign/Likely benign. Review status: criteria provided, multiple submitters, no conflicts (2 of 4 stars). 7 submissions from 7 submitters: Benign (4); Likely benign (3). Last evaluated 2025-12-18.

Conditions:
Autosomal dominant Parkinson disease 8. Also called: LRRK2-Related Parkinson Disease; Parkinson disease 8; Parkinson disease 8, susceptibility to. Identifiers: Orphanet 411602, MedGen C1846862, MONDO:0011764, OMIM 607060.

Allele frequency attached by ClinVar (database versions not stated): gnomAD exomes 0.00316; ExAC 0.00381; gnomAD 0.01182; ESP Exome Variant Server 0.01253; TOPMed 0.01267; 1000 Genomes Project 0.01617; 1000 Genomes Project 30x 0.01749.
gnomAD v4.1: 3,778 of 1,613,648 alleles (0.23%); highest among the groups gnomAD compares: African/African-American, 4.1%; 82 homozygotes.

Submissions (7):

Labcorp Genetics (formerly Invitae), Labcorp
Classification: Benign for Autosomal dominant Parkinson disease 8. Last evaluated: 2025-12-18. Review status: criteria provided, single submitter. Criteria: Invitae Variant Classification Sherloc (09022015). Collection method: clinical testing. Allele origin: germline.

Athena Diagnostics
Classification: Benign. Last evaluated: 2024-02-29. Review status: criteria provided, single submitter. Criteria: Athena Diagnostics Criteria. Collection method: clinical testing. Allele origin: unknown.

Mayo Clinic Laboratories, Mayo Clinic
Classification: Benign. Last evaluated: 2023-10-23. Review status: criteria provided, single submitter. Criteria: ACMG Guidelines, 2015. Collection method: clinical testing. Allele origin: germline. Observed: 2 variant alleles.
Comment: BS1, BS2, BP4, BP7

Fulgent Genetics
Classification: Likely benign for Autosomal dominant Parkinson disease 8. Last evaluated: 2021-09-23. Review status: criteria provided, single submitter. Criteria: ACMG Guidelines, 2015. Collection method: clinical testing. Allele origin: unknown.

GeneDx
Classification: Likely benign. Last evaluated: 2021-05-10. Review status: criteria provided, single submitter. Criteria: GeneDx Variant Classification Process June 2021. Collection method: clinical testing. Allele origin: germline. Affected: yes.

Illumina Laboratory Services, Illumina
Classification: Benign for Autosomal dominant Parkinson disease 8. Last evaluated: 2018-01-13. Review status: criteria provided, single submitter. Criteria: ICSL Variant Classification Criteria 13 December 2019. Collection method: clinical testing. Allele origin: germline.
Comment: This variant was observed in the ICSL laboratory as part of a predisposition screen in an ostensibly healthy population. It had not been previously curated by ICSL or reported in the Human Gene Mutation Database (HGMD: prior to June 1st, 2018), and was therefore a candidate for classification through an automated scoring system. Utilizing variant allele frequency, disease prevalence and penetrance estimates, and inheritance mode, an automated score was calculated to assess if this variant is too frequent to cause the disease. Based on the score and internal cut-off values, a variant classified as benign is not then subjected to further curation. The score for this variant resulted in a classification of benign for this disease.

Breakthrough Genomics
Classification: Likely benign. Review status: criteria provided, single submitter. Criteria: ACMG Guidelines, 2015. Collection method: not provided. Allele origin: germline. Inheritance: Autosomal dominant inheritance. Affected: yes.

Literature cited by the submitters: PubMed 22445250 (cited by Athena Diagnostics); PubMed 25378673 (cited by Athena Diagnostics); PubMed 21885347 (cited by Athena Diagnostics).

NM_198578.4(LRRK2):c.867C>T (p.Asn289=)

Gene: LRRK2 (leucine rich repeat kinase 2; plus strand). Cytogenetic location: 12q12.
Variant type: single nucleotide variant.
Coding change: c.867C>T on transcript NM_198578.4 (MANE Select); coding-DNA position 867, C replaced by T.
Protein change: p.Asn289=; no amino-acid change (asparagine 289 retained).
Molecular consequence: synonymous variant.
Genome position (GRCh38, 1-based): chr12:40,249,854, C>T. VCF-style: chr12-40249854-C-T. GRCh37 (hg19) VCF-style: chr12-40643656-C-T.
Other names: p.Asn289=.
Identifiers: ClinVar variation 308612 (VCV000308612.19), dbSNP rs17490713, ClinGen allele CA6513227.